The following is an entry in ClinVar:

NM_001243133.2(NLRP3):c.1829T>C (p.Ile610Thr)

Gene: NLRP3 (NLR family pyrin domain containing 3; plus strand). Cytogenetic location: 1q44.
Variant type: single nucleotide variant.
Coding change: c.1829T>C on transcript NM_001243133.2 (MANE Select); coding-DNA position 1829, T replaced by C.
Protein change: p.Ile610Thr; replaces isoleucine 610 with threonine.
Molecular consequence: missense variant.
Genome position (GRCh38, 1-based): chr1:247,425,278, T>C. VCF-style: chr1-247425278-T-C. GRCh37 (hg19) VCF-style: chr1-247588580-T-C.
Other names: c.1829T>C, p.Ile610Thr (NM_001079821.3, NM_001127461.3, NM_001127462.3 and 1 more transcripts); c.1835T>C, p.Ile612Thr (NM_004895.5); short protein forms I610T, I612T.
Identifiers: ClinVar variation 657029 (VCV000657029.11), dbSNP rs1572173298, ClinGen allele CA345557909.
Genomic context (GRCh38, chr1:247,425,278, plus strand): 5'-TGGAGAAGAAATTAAGTTGCAAGATCTCTCAGCAAATCAGGCTGGAGCTGCTGAAATGGA[T>C]TGAAGTGAAAGCCAAAGCTAAAAAGCTGCAGATCCAGCCCAGCCAGCTGGAATTGTTCTA-3'
Protein context (NP_001230062.1, residues 600-620): QQIRLELLKW[Ile610Thr]EVKAKAKKLQ

ClinVar aggregate classification (germline): Uncertain significance. Review status: criteria provided, multiple submitters, no conflicts (2 of 4 stars). 2 submissions from 2 submitters: Uncertain significance (2). Last evaluated 2026-02-27.

Conditions:
Cryopyrin associated periodic syndrome (CAPS). Identifiers: Orphanet 208650, MedGen C2316212, MONDO:0016168.
Inborn genetic diseases. Identifiers: MedGen C0950123, MeSH D030342.

gnomAD v4.1: 3 of 1,614,154 alleles (0.00019%); highest among the groups gnomAD compares: South Asian, 0.0011%; no homozygotes.

Submissions (2):

Ambry Genetics
Classification: Uncertain significance for Inborn genetic diseases. Last evaluated: 2026-02-27. Review status: criteria provided, single submitter. Criteria: Ambry Variant Classification Scheme 2023. Collection method: clinical testing. Allele origin: germline.

Labcorp Genetics (formerly Invitae), Labcorp
Classification: Uncertain significance for Cryopyrin associated periodic syndrome. Last evaluated: 2025-12-22. Review status: criteria provided, single submitter. Criteria: Invitae Variant Classification Sherloc (09022015). Collection method: clinical testing. Allele origin: germline.
Comment: This sequence change replaces isoleucine, which is neutral and non-polar, with threonine, which is neutral and polar, at codon 612 of the NLRP3 protein (p.Ile612Thr). This variant is not present in population databases (gnomAD no frequency). This variant has not been reported in the literature in individuals affected with NLRP3-related conditions. ClinVar contains an entry for this variant (Variation ID: 657029). Invitae Evidence Modeling of protein sequence and biophysical properties (such as structural, functional, and spatial information, amino acid conservation, physicochemical variation, residue mobility, and thermodynamic stability) indicates that this missense variant is expected to disrupt NLRP3 protein function with a positive predictive value of 95%. In summary, the available evidence is currently insufficient to determine the role of this variant in disease. Therefore, it has been classified as a Variant of Uncertain Significance.